The following is an entry in ClinVar:

NM_007286.6(SYNPO):c.2372CCCCGC[11] (p.Pro800_Arg801insProProProProProProProProProProProPro)

Genes: SYNPO (synaptopodin; plus strand), LOC129995011 (ATAC-STARR-seq lymphoblastoid silent region 16516; plus strand). Cytogenetic location: 5q33.1.
Variant type: Microsatellite.
Coding change: c.2372CCCCGC[11] on transcript NM_007286.6 (MANE Select); 11 copies in a row of the 6-base unit CCCCGC starting at c.2372.
Protein change: p.Pro800_Arg801insProProProProProProProProProProProPro.
Genome position: GRCh38, VCF-style position (the base before the change): chr5:150,656,742. GRCh37 (hg19), VCF-style position (the base before the change): chr5:150,036,304.
Identifiers: ClinVar variation 4762854 (VCV004762854.1).

ClinVar aggregate classification (germline): Uncertain significance (1 of 4 stars; one submission).

Submission:

Labcorp Genetics (formerly Invitae), Labcorp
Classification: Uncertain significance. Last evaluated: 2025-09-14. Review status: criteria provided, single submitter. Criteria: Invitae Variant Classification Sherloc (09022015). Collection method: clinical testing. Allele origin: germline.
Comment: This variant, c.2401_2402insCCCCGCCCCCGCCCCCGCCCCCGCCCCCGCCCCCGC, results in the insertion of 12 amino acid(s) of the SYNPO protein (p.Pro789_Pro800dup), but otherwise preserves the integrity of the reading frame. The frequency data for this variant in the population databases is considered unreliable, as metrics indicate insufficient coverage at this position in the gnomAD database. This variant has not been reported in the literature in individuals affected with SYNPO-related conditions. In summary, the available evidence is currently insufficient to determine the role of this variant in disease. Therefore, it has been classified as a Variant of Uncertain Significance.